The following is an entry in ClinVar:

NM_004656.4(BAP1):c.437+1G>C

Gene: BAP1 (BRCA1 associated deubiquitinase 1; minus strand). Cytogenetic location: 3p21.1.
Variant type: single nucleotide variant.
Coding change: c.437+1G>C on transcript NM_004656.4 (MANE Select); the canonical splice donor site of the intron after coding-DNA position 437, G replaced by C.
Molecular consequence: splice donor variant.
Genome position (GRCh38, 1-based): chr3:52,407,398, C>G on the plus strand (G>C on the coding strand, the complement: BAP1 is on the minus strand). VCF-style: chr3-52407398-C-G. GRCh37 (hg19) VCF-style: chr3-52441414-C-G.
Other names: c.437+1G>C (NM_001410772.1).
Identifiers: ClinVar variation 3706351 (VCV003706351.3).

ClinVar aggregate classification (germline): Pathogenic/Likely pathogenic. Review status: criteria provided, multiple submitters, no conflicts (2 of 4 stars). 2 submissions from 2 submitters: Pathogenic (1); Likely pathogenic (1). Last evaluated 2025-06-01.

Conditions:
Hereditary cancer-predisposing syndrome. Also called: Hereditary neoplastic syndrome; Tumor predisposition; Hereditary Cancer Syndrome; Neoplastic Syndromes, Hereditary. Identifiers: Orphanet 140162, MedGen C0027672, MeSH D009386, MONDO:0015356.
BAP1-related tumor predisposition syndrome (TPDS1). Also called: TUMOR PREDISPOSITION SYNDROME 1; BAP1 tumor predisposition syndrome; Tumor susceptibility linked to germline BAP1 mutations; COMMON Syndrome. Identifiers: Orphanet 289539, MedGen C3280492, MONDO:0013692, OMIM 614327.

Submissions (2):

Labcorp Genetics (formerly Invitae), Labcorp
Classification: Pathogenic for BAP1-related tumor predisposition syndrome. Last evaluated: 2025-06-01. Review status: criteria provided, single submitter. Criteria: Invitae Variant Classification Sherloc (09022015). Collection method: clinical testing. Allele origin: germline.
Comment: This sequence change affects a donor splice site in intron 6 of the BAP1 gene. It is expected to disrupt RNA splicing. Variants that disrupt the donor or acceptor splice site typically lead to a loss of protein function (PMID: 16199547), and loss-of-function variants in BAP1 are known to be pathogenic (PMID: 21874000, 23684012). This variant is not present in population databases (gnomAD no frequency). Disruption of this splice site has been observed in individuals with BAP1-related conditions (PMID: 23684012, 28560743). ClinVar contains an entry for this variant (Variation ID: 3706351). Algorithms developed to predict the effect of sequence changes on RNA splicing suggest that this variant may disrupt the consensus splice site. For these reasons, this variant has been classified as Pathogenic.

Molecular Diagnostics Laboratory, Catalan Institute of Oncology
Classification: Likely pathogenic for Hereditary cancer-predisposing syndrome. Last evaluated: 2024-09-19. Review status: criteria provided, single submitter. Criteria: ACMG Guidelines, 2015. Collection method: clinical testing. Allele origin: germline.
Comment: PVS1, PM2_Supporting c.437+1G>C, located in a canonic splicing site of the BAP1 is predicted to alter splicing. This alteration is expected to result in loss of function by premature protein truncation and nonsense-mediated mRNA decay (PVS1). It is not present in the population database gnomAD v2.1.1, non-cancer dataset (PM2_supporting). The SpliceAI algorithm predicts that the variant impairs the splicing donor site of intron 6. To our knowledge, neither relevant clinical data nor well-established functional studies have been reported for this variant. Based on currently available information, the variant c.437+1G>C should be considered a likely pathogenic variant.

Literature cited by the submitters: PubMed 16199547 (cited by Labcorp Genetics (formerly Invitae), Labcorp); PubMed 21874000 (cited by Labcorp Genetics (formerly Invitae), Labcorp); PubMed 23684012 (cited by Labcorp Genetics (formerly Invitae), Labcorp); PubMed 28560743 (cited by Labcorp Genetics (formerly Invitae), Labcorp).